The following is an entry in ClinVar:

NM_005477.3(HCN4):c.3193G>A (p.Val1065Ile)

Gene: HCN4 (hyperpolarization activated cyclic nucleotide gated potassium channel 4; minus strand). Cytogenetic location: 15q24.1.
Variant type: single nucleotide variant.
Coding change: c.3193G>A on transcript NM_005477.3 (MANE Select); coding-DNA position 3193, G replaced by A.
Protein change: p.Val1065Ile; replaces valine 1065 with isoleucine.
Molecular consequence: missense variant.
Genome position (GRCh38, 1-based): chr15:73,322,900, C>T on the plus strand (G>A on the coding strand, the complement: HCN4 is on the minus strand). VCF-style: chr15-73322900-C-T. GRCh37 (hg19) VCF-style: chr15-73615241-C-T.
Other names: short protein forms V1065I.
Identifiers: ClinVar variation 934476 (VCV000934476.7), dbSNP rs2042870599, ClinGen allele CA393086034.

ClinVar aggregate classification (germline): Uncertain significance (1 of 4 stars; one submission).

Conditions:
Brugada syndrome 8 (BRGDA8). Identifiers: Orphanet 130, MedGen C2751083, MONDO:0013148, OMIM 613123.

gnomAD v4.1: 1 of 1,430,712 alleles (0.00007%); no homozygotes.

Submission:

Labcorp Genetics (formerly Invitae), Labcorp
Classification: Uncertain significance for Brugada syndrome 8. Last evaluated: 2021-08-26. Review status: criteria provided, single submitter. Criteria: Invitae Variant Classification Sherloc (09022015). Collection method: clinical testing. Allele origin: germline.
Comment: This sequence change replaces valine with isoleucine at codon 1065 of the HCN4 protein (p.Val1065Ile). The valine residue is moderately conserved and there is a small physicochemical difference between valine and isoleucine. The frequency data for this variant in the population databases is considered unreliable, as metrics indicate insufficient coverage at this position in the ExAC database. This variant has not been reported in the literature in individuals affected with HCN4-related conditions. Algorithms developed to predict the effect of missense changes on protein structure and function output the following: SIFT: "Tolerated"; PolyPhen-2: "Possibly Damaging"; Align-GVGD: "Class C0". The isoleucine amino acid residue is found in multiple mammalian species, which suggests that this missense change does not adversely affect protein function. In summary, the available evidence is currently insufficient to determine the role of this variant in disease. Therefore, it has been classified as a Variant of Uncertain Significance.